The following is an entry in ClinVar:

NM_004006.3(DMD):c.9650A>G (p.Tyr3217Cys)

Gene: DMD (dystrophin; minus strand). Cytogenetic location: Xp21.2.
Variant type: single nucleotide variant.
Coding change: c.9650A>G on transcript NM_004006.3 (MANE Select); coding-DNA position 9650, A replaced by G.
Protein change: p.Tyr3217Cys; replaces tyrosine 3217 with cysteine.
Molecular consequence: missense variant.
Genome position (GRCh38, 1-based): chrX:31,204,118, T>C on the plus strand (A>G on the coding strand, the complement: DMD is on the minus strand). VCF-style: chrX-31204118-T-C. GRCh37 (hg19) VCF-style: chrX-31222235-T-C.
Other names: c.9626A>G, p.Tyr3209Cys (NM_000109.4); c.9638A>G, p.Tyr3213Cys (NM_004009.3); c.9281A>G, p.Tyr3094Cys (NM_004010.3); c.5627A>G, p.Tyr1876Cys (NM_004011.4); c.5618A>G, p.Tyr1873Cys (NM_004012.4); c.2270A>G, p.Tyr757Cys (NM_004013.3, NM_004020.4, NM_004021.3 and 2 more transcripts); c.1463A>G, p.Tyr488Cys (NM_004014.3); c.446A>G, p.Tyr149Cys (NM_004015.3, NM_004016.3, NM_004017.3 and 2 more transcripts); short protein forms Y1873C, Y3217C, Y3094C, Y757C, Y1876C, Y3209C, Y149C, Y3213C.
Identifiers: ClinVar variation 1392625 (VCV001392625.8), dbSNP rs2148542082, ClinGen allele CA412648858.
Genomic context (GRCh38, chrX:31,204,118, plus strand): 5'-AGGAGGCCCAGCCTGCGCTGGTCACAAAATCCTGTTGAACTTGCCACTTGCTTGAAAAGG[T>C]CTACAAAGGAAGAAGAAAATTGCAACAGTCAAAACACAGCACCCATGGATGCCAGCAGAA-3'
Protein context (NP_003997.2, residues 3207-3227): CKAHLEDKYR[Tyr3217Cys]LFKQVASSTG

ClinVar aggregate classification (germline): Uncertain significance (1 of 4 stars; one submission).

Conditions:
Duchenne muscular dystrophy (DMD). Also called: MUSCULAR DYSTROPHY, PSEUDOHYPERTROPHIC PROGRESSIVE, DUCHENNE TYPE; Duchenne Muscular Dystrophy (DMD). Identifiers: Orphanet 98896, MedGen C0013264, MONDO:0010679, OMIM 310200.

gnomAD v4.1: 1 of 1,210,458 alleles (0.000083%); highest among the groups gnomAD compares: Non-Finnish European, 0.00011%; no homozygotes.

Submission:

Labcorp Genetics (formerly Invitae), Labcorp
Classification: Uncertain significance for Duchenne muscular dystrophy. Last evaluated: 2022-08-16. Review status: criteria provided, single submitter. Criteria: Invitae Variant Classification Sherloc (09022015). Collection method: clinical testing. Allele origin: germline.
Comment: ClinVar contains an entry for this variant (Variation ID: 1392625). In summary, the available evidence is currently insufficient to determine the role of this variant in disease. Therefore, it has been classified as a Variant of Uncertain Significance. Algorithms developed to predict the effect of missense changes on protein structure and function (SIFT, PolyPhen-2, Align-GVGD) all suggest that this variant is likely to be disruptive. This variant has not been reported in the literature in individuals affected with DMD-related conditions. This variant is not present in population databases (gnomAD no frequency). This sequence change replaces tyrosine, which is neutral and polar, with cysteine, which is neutral and slightly polar, at codon 3217 of the DMD protein (p.Tyr3217Cys).